The following is an entry in ClinVar:

ClinVar aggregate classification (germline): Uncertain significance (1 of 4 stars; one submission).

Conditions:
Neurodevelopmental disorder with or without hyperkinetic movements and seizures, autosomal dominant. Also called: Intellectual disability, autosomal dominant 8. Identifiers: MedGen C3280282, MONDO:0013655, OMIM 614254.

Allele frequency attached by ClinVar (database versions not stated): TOPMed below 0.00001; gnomAD 0.00001.
gnomAD v4.1: 6 of 1,613,520 alleles (0.00037%); highest among the groups gnomAD compares: Admixed American, 0.0083%; no homozygotes.

Submission:

Labcorp Genetics (formerly Invitae), Labcorp
Classification: Uncertain significance for Neurodevelopmental disorder with or without hyperkinetic movements and seizures, autosomal dominant. Last evaluated: 2025-03-09. Review status: criteria provided, single submitter. Criteria: Invitae Variant Classification Sherloc (09022015). Collection method: clinical testing. Allele origin: germline.
Comment: This sequence change replaces valine, which is neutral and non-polar, with leucine, which is neutral and non-polar, at codon 772 of the GRIN1 protein (p.Val772Leu). This variant is present in population databases (no rsID available, gnomAD 0.009%). This variant has not been reported in the literature in individuals affected with GRIN1-related conditions. ClinVar contains an entry for this variant (Variation ID: 403956). Invitae Evidence Modeling of protein sequence and biophysical properties (such as structural, functional, and spatial information, amino acid conservation, physicochemical variation, residue mobility, and thermodynamic stability) indicates that this missense variant is expected to disrupt GRIN1 protein function with a positive predictive value of 95%. In summary, the available evidence is currently insufficient to determine the role of this variant in disease. Therefore, it has been classified as a Variant of Uncertain Significance.

NM_007327.4(GRIN1):c.2314G>C (p.Val772Leu)

Gene: GRIN1 (glutamate ionotropic receptor NMDA type subunit 1; plus strand). Cytogenetic location: 9q34.3.
Variant type: single nucleotide variant.
Coding change: c.2314G>C on transcript NM_007327.4 (MANE Select); coding-DNA position 2314, G replaced by C.
Protein change: p.Val772Leu; replaces valine 772 with leucine.
Molecular consequence: missense variant.
Genome position (GRCh38, 1-based): chr9:137,163,311, G>C. VCF-style: chr9-137163311-G-C. GRCh37 (hg19) VCF-style: chr9-140057763-G-C.
Other names: c.2314G>C, p.Val772Leu (NM_000832.7, NM_021569.4); c.2377G>C, p.Val793Leu (NM_001185090.2, NM_001185091.2); short protein forms V772L, V793L.
Identifiers: ClinVar variation 403956 (VCV000403956.9), dbSNP rs1060500045, ClinGen allele CA16612850.